The following is an entry in ClinVar:

ClinVar aggregate classification (germline): Uncertain significance (1 of 4 stars; one submission).

Conditions:
Cornelia de Lange syndrome 1 (CDLS1). Also called: Brachmann de Lange syndrome; NIPBL-Related Cornelia de Lange Syndrome; TYPUS DEGENERATIVUS AMSTELODAMENSIS. Identifiers: Orphanet 199, MedGen C4551851, MONDO:0007387, OMIM 122470.

Submission:

Labcorp Genetics (formerly Invitae), Labcorp
Classification: Uncertain significance for Cornelia de Lange syndrome 1. Last evaluated: 2018-12-01. Review status: criteria provided, single submitter. Criteria: Invitae Variant Classification Sherloc (09022015). Collection method: clinical testing. Allele origin: germline.
Comment: In summary, the available evidence is currently insufficient to determine the role of this variant in disease. Therefore, it has been classified as a Variant of Uncertain Significance. Nucleotide substitutions within the consensus splice site are a relatively common cause of aberrant splicing (PMID: 17576681, 9536098). Algorithms developed to predict the effect of sequence changes on RNA splicing suggest that this variant may disrupt the consensus splice site, but this prediction has not been confirmed by published transcriptional studies. This variant has not been reported in the literature in individuals with NIPBL-related conditions. This variant is not present in population databases (ExAC no frequency). This sequence change falls in intron 4 of the NIPBL gene. It does not directly change the encoded amino acid sequence of the NIPBL protein, but it affects a nucleotide within the consensus splice site of the intron.

Literature cited by the submitters: PubMed 17576681; PubMed 9536098.

NM_133433.4(NIPBL):c.358+3G>C

Gene: NIPBL (NIPBL cohesin loading factor; plus strand). Cytogenetic location: 5p13.2.
Variant type: single nucleotide variant.
Coding change: c.358+3G>C on transcript NM_133433.4 (MANE Select); 3 bases into the intron after coding-DNA position 358, G replaced by C.
Molecular consequence: intron variant.
Genome position (GRCh38, 1-based): chr5:36,958,234, G>C. VCF-style: chr5-36958234-G-C. GRCh37 (hg19) VCF-style: chr5-36958336-G-C.
Other names: c.358+3G>C (NM_015384.5).
Identifiers: ClinVar variation 651523 (VCV000651523.6), dbSNP rs1580330420, ClinGen allele CA915943361.